The following is an entry in ClinVar:

NM_177438.3(DICER1):c.3998G>C (p.Cys1333Ser)

Gene: DICER1 (dicer 1, ribonuclease III; minus strand). Cytogenetic location: 14q32.13.
Variant type: single nucleotide variant.
Coding change: c.3998G>C on transcript NM_177438.3 (MANE Select); coding-DNA position 3998, G replaced by C.
Protein change: p.Cys1333Ser; replaces cysteine 1333 with serine.
Molecular consequence: missense variant. On other transcripts: non-coding transcript variant (6).
Genome position (GRCh38, 1-based): chr14:95,103,398, C>G on the plus strand (G>C on the coding strand, the complement: DICER1 is on the minus strand). VCF-style: chr14-95103398-C-G. GRCh37 (hg19) VCF-style: chr14-95569735-C-G.
Other names: c.3998G>C, p.Cys1333Ser (NM_001195573.1, NM_001271282.3, NM_001291628.2 and 13 more transcripts); c.3716G>C, p.Cys1239Ser (NM_001395686.1); c.3593G>C, p.Cys1198Ser (NM_001395687.1, NM_001395688.1, NM_001395689.1 and 2 more transcripts); c.3431G>C, p.Cys1144Ser (NM_001395691.1); c.2315G>C, p.Cys772Ser (NM_001395697.1); short protein forms C1144S, C1198S, C1239S, C772S, C1333S.
Identifiers: ClinVar variation 2113365 (VCV002113365.5), dbSNP rs2139954675, ClinGen allele CA390872990.

ClinVar aggregate classification (germline): Uncertain significance. Review status: criteria provided, multiple submitters, no conflicts (2 of 4 stars). 2 submissions from 2 submitters: Uncertain significance (2). Last evaluated 2024-09-30.

Conditions:
Hereditary cancer-predisposing syndrome. Also called: Tumor predisposition; Hereditary Cancer Syndrome; Neoplastic Syndromes, Hereditary; Hereditary neoplastic syndrome. Identifiers: Orphanet 140162, MedGen C0027672, MeSH D009386, MONDO:0015356.
DICER1-related tumor predisposition. Also called: DICER1 syndrome; DICER1-related pleuropulmonary blastoma cancer predisposition syndrome. Identifiers: Orphanet 284343, MedGen C3839822, MONDO:0100216.

Submissions (2):

Ambry Genetics
Classification: Uncertain significance for Hereditary cancer-predisposing syndrome. Last evaluated: 2024-09-30. Review status: criteria provided, single submitter. Criteria: Ambry Variant Classification Scheme 2023. Collection method: clinical testing. Allele origin: germline.
Comment: The p.C1333S variant (also known as c.3998G>C), located in coding exon 20 of the DICER1 gene, results from a G to C substitution at nucleotide position 3998. The cysteine at codon 1333 is replaced by serine, an amino acid with dissimilar properties. This amino acid position is conserved. In addition, this alteration is predicted to be deleterious by in silico analysis. Based on the available evidence, the clinical significance of this variant remains unclear.

Labcorp Genetics (formerly Invitae), Labcorp
Classification: Uncertain significance for DICER1-related tumor predisposition. Last evaluated: 2022-03-18. Review status: criteria provided, single submitter. Criteria: Invitae Variant Classification Sherloc (09022015). Collection method: clinical testing. Allele origin: germline.
Comment: In summary, the available evidence is currently insufficient to determine the role of this variant in disease. Therefore, it has been classified as a Variant of Uncertain Significance. Algorithms developed to predict the effect of missense changes on protein structure and function are either unavailable or do not agree on the potential impact of this missense change (SIFT: "Tolerated"; PolyPhen-2: "Probably Damaging"; Align-GVGD: "Class C0"). This variant has not been reported in the literature in individuals affected with DICER1-related conditions. This variant is not present in population databases (gnomAD no frequency). This sequence change replaces cysteine, which is neutral and slightly polar, with serine, which is neutral and polar, at codon 1333 of the DICER1 protein (p.Cys1333Ser).